The following is an entry in ClinVar:

NM_018249.6(CDK5RAP2):c.3814C>A (p.Gln1272Lys)

Gene: CDK5RAP2 (CDK5 regulatory subunit associated protein 2; minus strand). Cytogenetic location: 9q33.2.
Variant type: single nucleotide variant.
Coding change: c.3814C>A on transcript NM_018249.6 (MANE Select); coding-DNA position 3814, C replaced by A.
Protein change: p.Gln1272Lys; replaces glutamine 1272 with lysine.
Molecular consequence: missense variant. On other transcripts: non-coding transcript variant (5).
Genome position (GRCh38, 1-based): chr9:120,437,436, G>T on the plus strand (C>A on the coding strand, the complement: CDK5RAP2 is on the minus strand). VCF-style: chr9-120437436-G-T. GRCh37 (hg19) VCF-style: chr9-123199714-G-T.
Other names: c.3811C>A, p.Gln1271Lys (NM_001410994.1); c.3814C>A, p.Gln1272Lys (NM_001011649.3); c.3124C>A, p.Gln1042Lys (NM_001272039.2); c.3715C>A, p.Gln1239Lys (NM_001410992.1); c.3718C>A, p.Gln1240Lys (NM_001410993.1); short protein forms Q1042K, Q1239K, Q1240K, Q1271K, Q1272K.
Identifiers: ClinVar variation 4874622 (VCV004874622.2).

ClinVar aggregate classification (germline): Uncertain significance (1 of 4 stars; one submission).

Submission:

CeGaT Center for Human Genetics Tuebingen
Classification: Uncertain significance. Last evaluated: 2026-04-01. Review status: criteria provided, single submitter. Criteria: CeGaT Center For Human Genetics Tuebingen Variant Classification Criteria Version 2. Collection method: clinical testing. Allele origin: germline. Affected: yes. Observed: 1 variant allele.
Comment: CDK5RAP2: PM2, BP4